The following is an entry in ClinVar:

ClinVar aggregate classification (germline): Uncertain significance (1 of 4 stars; one submission).

Conditions:
Familial adenomatous polyposis 1 (FAP1). Also called: FAMILIAL ADENOMATOUS POLYPOSIS 1, ATTENUATED; POLYPOSIS, ADENOMATOUS INTESTINAL. Identifiers: MedGen C2713442, MONDO:0021056, OMIM 175100. Disease mechanism: loss of function.

Submission:

Labcorp Genetics (formerly Invitae), Labcorp
Classification: Uncertain significance for Familial adenomatous polyposis 1. Last evaluated: 2025-03-22. Review status: criteria provided, single submitter. Criteria: Invitae Variant Classification Sherloc (09022015). Collection method: clinical testing. Allele origin: germline.
Comment: This sequence change replaces threonine, which is neutral and polar, with serine, which is neutral and polar, at codon 1073 of the APC protein (p.Thr1073Ser). This variant is not present in population databases (gnomAD no frequency). This variant has not been reported in the literature in individuals affected with APC-related conditions. Invitae Evidence Modeling of protein sequence and biophysical properties (such as structural, functional, and spatial information, amino acid conservation, physicochemical variation, residue mobility, and thermodynamic stability) indicates that this missense variant is not expected to disrupt APC protein function with a negative predictive value of 95%. In summary, the available evidence is currently insufficient to determine the role of this variant in disease. Therefore, it has been classified as a Variant of Uncertain Significance.

NM_000038.6(APC):c.3217A>T (p.Thr1073Ser)

Gene: APC (APC regulator of Wnt signaling pathway; plus strand). Cytogenetic location: 5q22.2.
Variant type: single nucleotide variant.
Coding change: c.3217A>T on transcript NM_000038.6 (MANE Select); coding-DNA position 3217, A replaced by T.
Protein change: p.Thr1073Ser; replaces threonine 1073 with serine.
Molecular consequence: missense variant. On other transcripts: non-coding transcript variant (2).
Genome position (GRCh38, 1-based): chr5:112,838,811, A>T. VCF-style: chr5-112838811-A-T. GRCh37 (hg19) VCF-style: chr5-112174508-A-T.
Other names: c.3217A>T, p.Thr1073Ser (NM_001127510.3, NM_001354895.2, NM_001407450.1); c.3163A>T, p.Thr1055Ser (NM_001127511.3); c.3271A>T, p.Thr1091Ser (NM_001354896.2, NM_001407447.1, NM_001407448.1 and 1 more transcripts); c.3247A>T, p.Thr1083Ser (NM_001354897.2); c.3142A>T, p.Thr1048Ser (NM_001354898.2); c.3133A>T, p.Thr1045Ser (NM_001354899.2); c.3094A>T, p.Thr1032Ser (NM_001354900.2); c.3040A>T, p.Thr1014Ser (NM_001354901.2, NM_001407453.1); and 11 more; short protein forms T1014S, T1032S, T1045S, T1048S, T1055S, T1063S, T1066S, T1073S.
Identifiers: ClinVar variation 4801464 (VCV004801464.1).